The following is an entry in ClinVar:

ClinVar aggregate classification (germline): Uncertain significance (1 of 4 stars; one submission).

Conditions:
Ritscher-Schinzel syndrome 2. Identifiers: Orphanet 7, MedGen C4225419, MONDO:0010499, OMIM 300963.

Submission:

OLLIN Analises Genomicas, OLLIN
Classification: Uncertain significance for Ritscher-Schinzel syndrome 2. Last evaluated: 2026-08-06. Review status: criteria provided, single submitter. Criteria: ACMG Guidelines 2015 PMID 25741868. Collection method: clinical testing. Allele origin: germline. Inheritance: X-linked inheritance.
Comment: This missense variant, located in exon 10 (of 17), has been observed in gnomAD with an allele frequency of 0.000062%, but has not been reported in ClinVar or identified in the literature. In silico analysis is inconclusive regarding the impact of this variant. According to the currently available evidence, this variant has been classified as uncertain significance (PM2_P).

NM_014008.5(CCDC22):c.1181C>G (p.Pro394Arg)

Gene: CCDC22 (CCC complex scaffolding subunit CCDC22; plus strand). Cytogenetic location: Xp11.23.
Variant type: single nucleotide variant.
Coding change: c.1181C>G on transcript NM_014008.5 (MANE Select); coding-DNA position 1181, C replaced by G.
Protein change: p.Pro394Arg; replaces proline 394 with arginine.
Molecular consequence: missense variant.
Genome position (GRCh38, 1-based): chrX:49,248,279, C>G. VCF-style: chrX-49248279-C-G. GRCh37 (hg19) VCF-style: chrX-49104740-C-G.
Other names: short protein forms P394R.
Identifiers: ClinVar variation 5002678 (VCV005002678.1).
Genomic context (GRCh38, chrX:49,248,279, plus strand): 5'-TCAGTACAGCAGAGCGTGAGCAGGCCCTGCGCCTGAAGAGCCGCGCGGTGGAGCTGCTGC[C>G]CGATGGGACTGCCAACCTTGCCAAGCTGCAGGTGGGGTTGGGGCTGTAGCTGGGCGGAGA-3'
Protein context (NP_054727.1, residues 384-404): RLKSRAVELL[Pro394Arg]DGTANLAKLQ